The following is an entry in ClinVar:

NM_032536.4(NTNG2):c.446T>C (p.Met149Thr)

Gene: NTNG2 (netrin G2; plus strand). Cytogenetic location: 9q34.13.
Variant type: single nucleotide variant.
Coding change: c.446T>C on transcript NM_032536.4 (MANE Select); coding-DNA position 446, T replaced by C.
Protein change: p.Met149Thr; replaces methionine 149 with threonine.
Molecular consequence: missense variant.
Genome position (GRCh38, 1-based): chr9:132,198,198, T>C. VCF-style: chr9-132198198-T-C. GRCh37 (hg19) VCF-style: chr9-135073585-T-C.
Other names: short protein forms M149T.
Identifiers: ClinVar variation 691560 (VCV000691560.3), dbSNP rs1589441679, ClinGen allele CA375322280.
Genomic context (GRCh38, chr9:132,198,198, plus strand): 5'-AGACCGTGGAGCTGACCGACGACGTGGTGATGACCTTCGAGTACGGCCGGCCCACGGTCA[T>C]GGTCCTGGAGAAGTCCCTGGACAACGGGCGCACCTGGCAGCCCTACCAGTTCTACGCCGA-3'
Protein context (NP_115925.2, residues 139-159): MTFEYGRPTV[Met149Thr]VLEKSLDNGR

ClinVar aggregate classification (germline): Uncertain significance. Review status: criteria provided, single submitter (1 of 4 stars). 3 submissions from 3 submitters: Uncertain significance (1). 2 of the submissions do not count toward it. Last evaluated 2020-05-29.

Conditions:
Neurodevelopmental disorder with behavioral abnormalities, absent speech, and hypotonia. Identifiers: MedGen C5231471, MONDO:0032878, OMIM 618718.
Neurodevelopmental disorder. Identifiers: MedGen C1535926, MeSH D065886, MONDO:0700092.
Neurodevelopmental disorder with hypotonia, seizures, and absent language (NDHSAL). Identifiers: MedGen C4310643, MONDO:0014995, OMIM 617268.

Submissions (3):

Broad Center for Mendelian Genomics, Broad Institute of MIT and Harvard
Classification: Uncertain significance for Neurodevelopmental disorder with hypotonia, seizures, and absent language. Last evaluated: 2020-05-29. Review status: criteria provided, single submitter. Criteria: ACMG Guidelines, 2015. Collection method: research. Allele origin: germline. Inheritance: Autosomal recessive inheritance.
Comment: The homozygous p.Met149Thr variant in NTNG2 was identified by our study in 2 siblings with neurodevelopmental disorder with hypotonia, seizures, and absent language (PMID: 31668703). The presence of this variant in 2 affected homozygotes with neurodevelopmental disorder with hypotonia, seizures, and absent language increases the likelihood that the p.Met149Thr variant is pathogenic. This variant was absent from large population studies. In vitro functional studies provide some evidence that the p.Met149Thr variant may slightly impact protein function (PMID: 31668703). However, these types of assays may not accurately represent biological function. Computational prediction tools and conservation analyses suggest that this variant may impact the protein, though this information is not predictive enough to determine pathogenicity. In summary, while there is some suspicion for a pathogenic role, the clinical significance of this variant is uncertain. ACMG/AMP Criteria applied: PM2, PP3, PM3_supporting, PS3_supporting (Richards 2015).

OMIM
Classification: Pathogenic for NEURODEVELOPMENTAL DISORDER WITH BEHAVIORAL ABNORMALITIES, ABSENT SPEECH, AND HYPOTONIA. Last evaluated: 2019-12-23. Review status: no assertion criteria provided. Collection method: literature only. Allele origin: germline. Not counted in ClinVar's aggregate classification.

Lupski Lab, Baylor-Hopkins CMG, Baylor College of Medicine
Classification: Likely pathogenic for Neurodevelopmental disorder. Last evaluated: 2019-09-18. Review status: no assertion criteria provided. Collection method: research. Allele origin: inherited. Inheritance: Autosomal recessive inheritance. Affected: yes. Not counted in ClinVar's aggregate classification.

Literature cited by the submitters: PubMed 31668703 (cited by Broad Center for Mendelian Genomics, Broad Institute of MIT and Harvard and OMIM).